The following is an entry in ClinVar:

ClinVar aggregate classification (germline): Conflicting classifications of pathogenicity. Review status: criteria provided, conflicting classifications (1 of 4 stars). 5 submissions from 5 submitters: Uncertain significance (4); Benign (1). Last evaluated 2026-09-07.

Conditions:
Ehlers-Danlos syndrome, classic type, 1 (EDSCL1). Also called: EDS I; Ehlers-Danlos Syndrome, Classic Type, COL5A1-Related; EHLERS-DANLOS SYNDROME, GRAVIS TYPE; EHLERS-DANLOS SYNDROME, SEVERE CLASSIC TYPE; Ehlers-Danlos syndrome, type 1. Identifiers: MedGen C0268335, MONDO:0019567, OMIM 130000.
Familial thoracic aortic aneurysm and aortic dissection (TAAD). Also called: Thoracic aortic aneurysms and dissections. Identifiers: Orphanet 91387, MedGen C4707243, MONDO:0019625.

Allele frequency attached by ClinVar (database versions not stated): gnomAD 0.00003; gnomAD exomes 0.00003; ExAC 0.00005; ESP Exome Variant Server 0.00008; TOPMed 0.00002.

Submissions (5):

Ambry Genetics
Classification: Uncertain significance for Familial thoracic aortic aneurysm and aortic dissection. Last evaluated: 2026-09-07. Review status: criteria provided, single submitter. Criteria: Ambry Variant Classification Scheme 2023. Collection method: clinical testing. Allele origin: germline.
Comment: The p.R1257Q variant (also known as c.3770G>A), located in coding exon 48 of the COL5A1 gene, results from a G to A substitution at nucleotide position 3770. The arginine at codon 1257 is replaced by glutamine, an amino acid with highly similar properties. This amino acid position is conserved. In addition, the in silico prediction for this alteration is inconclusive. Based on the available evidence, the clinical significance of this variant remains unclear.

Labcorp Genetics (formerly Invitae), Labcorp
Classification: Benign for Ehlers-Danlos syndrome, classic type, 1. Last evaluated: 2025-12-26. Review status: criteria provided, single submitter. Criteria: Invitae Variant Classification Sherloc (09022015). Collection method: clinical testing. Allele origin: germline.

Mayo Clinic Laboratories, Mayo Clinic
Classification: Uncertain significance. Last evaluated: 2025-01-30. Review status: criteria provided, single submitter. Criteria: ACMG Guidelines, 2015. Collection method: clinical testing. Allele origin: germline. Observed: 1 variant allele.

Blueprint Genetics
Classification: Uncertain significance. Last evaluated: 2018-09-14. Review status: criteria provided, single submitter. Criteria: ACMG Guidelines, 2015. Collection method: clinical testing. Allele origin: germline.

GeneDx
Classification: Uncertain significance. Last evaluated: 2017-05-18. Review status: criteria provided, single submitter. Criteria: GeneDx Variant Classification (06012015). Collection method: clinical testing. Allele origin: germline. Affected: yes.
Comment: The R1257Q variant has not been published as a pathogenic variant, nor has it been reported as a benign variant to our knowledge. The R1257Q variant was not observed with any significant frequency in approximately 6,500 individuals of European and African American ancestry in the NHLBI Exome Sequencing Project, indicating it is not a common benign variant in these populations. The R1257Q variant is a semi-conservative amino acid substitution, which may impact secondary protein structure as these residues differ in some properties. Additionally, this substitution occurs within the triple-helical region at a position that is conserved across species. Nevertheless, the R1257Q variant does not affect a Glycine residue in a Gly-X-Y motif in the triple helical region of the COL5A1 gene, where the majority of pathogenic missense variants occur (Stenson et al., 2014; Symoens et al., 2012). Furthermore, in silico analysis is inconsistent in its predictions as to whether or not the variant is damaging to the protein structure/function. Therefore, based on the currently available information, it is unclear whether this variant is pathogenic or rare benign.

NM_000093.5(COL5A1):c.3770G>A (p.Arg1257Gln)

Gene: COL5A1 (collagen type V alpha 1 chain; plus strand). Cytogenetic location: 9q34.3.
Variant type: single nucleotide variant.
Coding change: c.3770G>A on transcript NM_000093.5 (MANE Select); coding-DNA position 3770, G replaced by A.
Protein change: p.Arg1257Gln; replaces arginine 1257 with glutamine.
Molecular consequence: missense variant.
Genome position (GRCh38, 1-based): chr9:134,812,630, G>A. VCF-style: chr9-134812630-G-A. GRCh37 (hg19) VCF-style: chr9-137704476-G-A.
Other names: p.R1257Q:CGA>CAA; p.Arg1257Gln; c.3770G>A, p.Arg1257Gln (NM_001278074.1); short protein forms R1257Q.
Identifiers: ClinVar variation 212965 (VCV000212965.16), dbSNP rs141768094, ClinGen allele CA321740.